The following is an entry in ClinVar:

ClinVar aggregate classification (germline): Pathogenic/Likely pathogenic. Review status: criteria provided, multiple submitters, no conflicts (2 of 4 stars). 5 submissions from 5 submitters: Pathogenic (3); Likely pathogenic (2). Last evaluated 2025-11-01.

Conditions:
Early-infantile DEE. Also called: Ohtahara syndrome; Early infantile epileptic encephalopathy; Early infantile epileptic encephalopathy with suppression bursts. Identifiers: Orphanet 1934, MedGen C0393706, MONDO:0800491.
Developmental and epileptic encephalopathy, 5 (DEE5). Identifiers: Orphanet 3451, MedGen C3150731, MONDO:0013277, OMIM 613477.

Submissions (5):

CeGaT Center for Human Genetics Tuebingen
Classification: Likely pathogenic. Last evaluated: 2025-11-01. Review status: criteria provided, single submitter. Criteria: CeGaT Center For Human Genetics Tuebingen Variant Classification Criteria Version 2. Collection method: clinical testing. Allele origin: germline. Affected: yes. Observed: 2 variant alleles.
Comment: SPTAN1: PM1, PM2, PS2:Moderate, PS4:Moderate, PP2

Institute of Human Genetics, University of Leipzig Medical Center
Classification: Pathogenic for Developmental and epileptic encephalopathy, 5. Last evaluated: 2025-03-19. Review status: criteria provided, single submitter. Criteria: ACMG Guidelines, 2015. Collection method: clinical testing. Allele origin: unknown. Inheritance: Autosomal dominant inheritance. Affected: yes.
Comment: Criteria applied: PS4_MOD,PM1,PM2, PS2_SUP

Labcorp Genetics (formerly Invitae), Labcorp
Classification: Pathogenic for Early-infantile DEE. Last evaluated: 2024-11-18. Review status: criteria provided, single submitter. Criteria: Invitae Variant Classification Sherloc (09022015). Collection method: clinical testing. Allele origin: germline.
Comment: This sequence change replaces arginine, which is basic and polar, with cysteine, which is neutral and slightly polar, at codon 2308 of the SPTAN1 protein (p.Arg2308Cys). This variant is not present in population databases (gnomAD no frequency). This missense change has been observed in individual(s) with epilepsy and/or a neurodevelopmental disorder (PMID: 29655203; internal data). In at least one individual the variant was observed to be de novo. ClinVar contains an entry for this variant (Variation ID: 207360). Invitae Evidence Modeling of protein sequence and biophysical properties (such as structural, functional, and spatial information, amino acid conservation, physicochemical variation, residue mobility, and thermodynamic stability) indicates that this missense variant is expected to disrupt SPTAN1 protein function with a positive predictive value of 95%. For these reasons, this variant has been classified as Pathogenic.

3billion
Classification: Pathogenic for Developmental and epileptic encephalopathy, 5. Last evaluated: 2023-10-25. Review status: criteria provided, single submitter. Criteria: ACMG Guidelines, 2015. Collection method: clinical testing. Allele origin: germline. Affected: yes.
Comment: The variant is not observed in the gnomAD v2.1.1 dataset. Predicted Consequence/Location: The variant is located in a mutational hot spot and/or well-established functional domain in which established pathogenic variants have been reported. Missense changes are a common disease-causing mechanism. In silico tool predictions suggest damaging effect of the variant on gene or gene product [REVEL: 0.41 (>=0.6, sensitivity 0.68 and specificity 0.92); 3Cnet: 0.80 (>=0.6, sensitivity 0.72 and precision 0.9)]. Same nucleotide change resulting in same amino acid change has been previously reported as pathogenic/likely pathogenic with strong evidence (ClinVar ID: VCV000207360 /PMID: 29655203). Therefore, this variant is classified as Pathogenic according to the recommendation of ACMG/AMP guideline.

Neuberg Centre For Genomic Medicine, NCGM
Classification: Likely pathogenic for Developmental and epileptic encephalopathy, 5. Review status: criteria provided, single submitter. Criteria: ACMG Guidelines, 2015. Collection method: clinical testing. Allele origin: germline. Affected: yes.
Comment: The missense variant p.R2308C in SPTAN1 (NM_001130438.3) has reported previously in a patient evaluated for epilepsy (Lindy AS et al). It was submitted to ClinVar as Likely Pathogenic by a lbaoratory where it was observed in de novo form. The p.R2308C variant is novel (not in any individuals) in gnomAD Exomes and is novel (not in any individuals) in 1000 Genomes. There is a large physicochemical difference between arginine and cysteine, which is likely to impact secondary protein structure as these residues differ in polarity, charge, size and/or other properties. The p.R2308C missense variant is predicted to be damaging by both SIFT and PolyPhen2. The arginine residue at codon 2308 of SPTAN1 is conserved across vertebrated. For these reasons, this variant has been classified as Likely Pathogenic

Literature cited by the submitters: PubMed 29655203 (cited by Labcorp Genetics (formerly Invitae), Labcorp and 3billion).

NM_001130438.3(SPTAN1):c.6922C>T (p.Arg2308Cys)

Gene: SPTAN1 (spectrin alpha, non-erythrocytic 1; plus strand). Cytogenetic location: 9q34.11.
Variant type: single nucleotide variant.
Coding change: c.6922C>T on transcript NM_001130438.3 (MANE Select); coding-DNA position 6922, C replaced by T.
Protein change: p.Arg2308Cys; replaces arginine 2308 with cysteine.
Molecular consequence: missense variant.
Genome position (GRCh38, 1-based): chr9:128,632,286, C>T. VCF-style: chr9-128632286-C-T. GRCh37 (hg19) VCF-style: chr9-131394565-C-T.
Other names: c.6847C>T, p.Arg2283Cys (NM_001195532.2); c.6985C>T, p.Arg2329Cys (NM_001363759.2); c.6862C>T, p.Arg2288Cys (NM_001363765.2); c.6907C>T, p.Arg2303Cys (NM_003127.4); short protein forms R2308C, R2303C, R2329C, R2283C, R2288C.
Identifiers: ClinVar variation 207360 (VCV000207360.20), dbSNP rs1554768992, ClinGen allele CA318749.